The following is an entry in ClinVar:

NM_002972.4(SBF1):c.1477G>A (p.Gly493Ser)

Gene: SBF1 (SET binding factor 1; minus strand). Cytogenetic location: 22q13.33.
Variant type: single nucleotide variant.
Coding change: c.1477G>A on transcript NM_002972.4 (MANE Select); coding-DNA position 1477, G replaced by A.
Protein change: p.Gly493Ser; replaces glycine 493 with serine.
Molecular consequence: missense variant.
Genome position (GRCh38, 1-based): chr22:50,464,693, C>T on the plus strand (G>A on the coding strand, the complement: SBF1 is on the minus strand). VCF-style: chr22-50464693-C-T. GRCh37 (hg19) VCF-style: chr22-50903122-C-T.
Other names: c.1480G>A, p.Gly494Ser (NM_001365819.1, NM_001410794.1); c.1477G>A, p.Gly493Ser (NM_001410795.1, NM_197971.1); c.1477G>A (NM_002972.2); short protein forms G493S, G494S.
Identifiers: ClinVar variation 2189373 (VCV002189373.3), dbSNP rs373993266, ClinGen allele CA10317635.

ClinVar aggregate classification (germline): Uncertain significance. Review status: criteria provided, multiple submitters, no conflicts (2 of 4 stars). 3 submissions from 3 submitters: Uncertain significance (3). Last evaluated 2025-01-01.

Allele frequency attached by ClinVar (database versions not stated): ExAC 0.00015.
gnomAD v4.1: 127 of 1,607,468 alleles (0.0079%); highest among the groups gnomAD compares: East Asian, 0.1%; no homozygotes.

Submissions (3):

Ambry Genetics
Classification: Uncertain significance. Last evaluated: 2025-01-01. Review status: criteria provided, single submitter. Criteria: Ambry Variant Classification Scheme 2023. Collection method: clinical testing. Allele origin: germline.

Women's Health and Genetics/Laboratory Corporation of America, LabCorp
Classification: Uncertain significance. Last evaluated: 2024-05-10. Review status: criteria provided, single submitter. Criteria: LabCorp Variant Classification Summary - May 2015. Collection method: clinical testing. Allele origin: germline.
Comment: Variant summary: SBF1 c.1477G>A (p.Gly493Ser) results in a non-conservative amino acid change in the encoded protein sequence. Four of five in-silico tools predict a benign effect of the variant on protein function. The variant allele was found at a frequency of 0.00012 in 243174 control chromosomes. To our knowledge, no occurrence of c.1477G>A in individuals affected with Charcot Marie Tooth Disease Type 4B3 and no experimental evidence demonstrating its impact on protein function have been reported. ClinVar contains an entry for this variant (Variation ID: 2189373). Based on the evidence outlined above, the variant was classified as uncertain significance.

Labcorp Genetics (formerly Invitae), Labcorp
Classification: Uncertain significance. Last evaluated: 2022-10-05. Review status: criteria provided, single submitter. Criteria: Invitae Variant Classification Sherloc (09022015). Collection method: clinical testing. Allele origin: germline.
Comment: This sequence change replaces glycine, which is neutral and non-polar, with serine, which is neutral and polar, at codon 493 of the SBF1 protein (p.Gly493Ser). This variant is present in population databases (rs373993266, gnomAD 0.05%). This variant has not been reported in the literature in individuals affected with SBF1-related conditions. Advanced modeling of protein sequence and biophysical properties (such as structural, functional, and spatial information, amino acid conservation, physicochemical variation, residue mobility, and thermodynamic stability) performed at Invitae indicates that this missense variant is not expected to disrupt SBF1 protein function. In summary, the available evidence is currently insufficient to determine the role of this variant in disease. Therefore, it has been classified as a Variant of Uncertain Significance.